The following is an entry in ClinVar:

NM_000231.3(SGCG):c.386-9A>G

Gene: SGCG (sarcoglycan gamma; plus strand). Cytogenetic location: 13q12.12.
Variant type: single nucleotide variant.
Coding change: c.386-9A>G on transcript NM_000231.3 (MANE Select); 9 bases into the intron before coding-DNA position 386, A replaced by G.
Molecular consequence: intron variant.
Genome position (GRCh38, 1-based): chr13:23,279,350, A>G. VCF-style: chr13-23279350-A-G. GRCh37 (hg19) VCF-style: chr13-23853489-A-G.
Other names: c.440-9A>G (NM_001378244.1); c.386-9A>G (NM_001378245.1, NM_001378246.1).
Identifiers: ClinVar variation 1708968 (VCV001708968.4), dbSNP rs1361293561, ClinGen allele CA608619160.
Genomic context (GRCh38, chr13:23,279,350, plus strand): 5'-TGTGTAAAAATAGAGATTTGGACACTGCTTGTAGTGAACAGTTTATAATAAACTGTTTTA[A>G]TTCTTCAGGTCCCAAAATGGTAGAAGTCCAGAATCAACAGTTTCAGATCAACTCCAACGA-3'

ClinVar aggregate classification (germline): Uncertain significance. Review status: criteria provided, multiple submitters, no conflicts (2 of 4 stars). 2 submissions from 2 submitters: Uncertain significance (2). Last evaluated 2022-06-12.

Conditions:
Autosomal recessive limb-girdle muscular dystrophy type 2C (LGMDR5). Also called: MUSCULAR DYSTROPHY, LIMB-GIRDLE, AUTOSOMAL RECESSIVE 5; MUSCULAR DYSTROPHY, DUCHENNE-LIKE. Identifiers: Orphanet 353, MedGen C0410173, MONDO:0009677, OMIM 253700. Disease mechanism: Affects gamma-sarcoglycan and also disrupts the integrity of the entire sarcoglycan complex..

Allele frequency attached by ClinVar (database versions not stated): gnomAD exomes below 0.00001.
gnomAD v4.1: 4 of 1,611,702 alleles (0.00025%); highest among the groups gnomAD compares: Non-Finnish European, 0.00034%; no homozygotes.

Submissions (2):

Labcorp Genetics (formerly Invitae), Labcorp
Classification: Uncertain significance for Autosomal recessive limb-girdle muscular dystrophy type 2C. Last evaluated: 2022-06-12. Review status: criteria provided, single submitter. Criteria: Invitae Variant Classification Sherloc (09022015). Collection method: clinical testing. Allele origin: germline.
Comment: This sequence change falls in intron 4 of the SGCG gene. It does not directly change the encoded amino acid sequence of the SGCG protein. This variant is present in population databases (no rsID available, gnomAD 0.0009%). This variant has not been reported in the literature in individuals affected with SGCG-related conditions. Algorithms developed to predict the effect of sequence changes on RNA splicing suggest that this variant may disrupt the consensus splice site. In summary, the available evidence is currently insufficient to determine the role of this variant in disease. Therefore, it has been classified as a Variant of Uncertain Significance.

MGZ Medical Genetics Center
Classification: Uncertain significance for Autosomal recessive limb-girdle muscular dystrophy type 2C. Last evaluated: 2021-11-17. Review status: criteria provided, single submitter. Criteria: ACMG Guidelines, 2015. Collection method: clinical testing. Allele origin: germline. Affected: yes. Observed: 1 variant allele.
Comment: ACMG criteria applied: PM3, PM2_SUP, PP3